The following is an entry in ClinVar:

ClinVar aggregate classification (germline): Uncertain significance (1 of 4 stars; one submission).

Allele frequency attached by ClinVar (database versions not stated): TOPMed below 0.00001; ExAC 0.00001; gnomAD exomes 0.00001.
gnomAD v4.1: 9 of 1,608,394 alleles (0.00056%); highest among the groups gnomAD compares: South Asian, 0.0045%; no homozygotes.

Submission:

GeneDx
Classification: Uncertain significance. Last evaluated: 2022-02-16. Review status: criteria provided, single submitter. Criteria: GeneDx Variant Classification Process June 2021. Collection method: clinical testing. Allele origin: germline. Affected: yes.
Comment: Not observed at significant frequency in large population cohorts (gnomAD); In silico analysis supports that this missense variant does not alter protein structure/function; Has not been previously published as pathogenic or benign to our knowledge

NM_016343.4(CENPF):c.8222C>T (p.Ser2741Leu)

Gene: CENPF (centromere protein F; plus strand). Cytogenetic location: 1q41.
Variant type: single nucleotide variant.
Coding change: c.8222C>T on transcript NM_016343.4 (MANE Select); coding-DNA position 8222, C replaced by T.
Protein change: p.Ser2741Leu; replaces serine 2741 with leucine.
Molecular consequence: missense variant.
Genome position (GRCh38, 1-based): chr1:214,652,889, C>T. VCF-style: chr1-214652889-C-T. GRCh37 (hg19) VCF-style: chr1-214826232-C-T.
Other names: short protein forms S2741L.
Identifiers: ClinVar variation 1702729 (VCV001702729.2), dbSNP rs766558554, ClinGen allele CA1391350.
Genomic context (GRCh38, chr1:214,652,889, plus strand): 5'-ATGAAGTAGAAATCCAGACATACCGAGAGAAATTGACTTCTAAAGAAGAATGTCTCAGTT[C>T]ACAGAAGCTGGAGATAGACCTTTTAAAGTCTAGTAAAGAAGAGCTCAATAATTCATTGAA-3'
Protein context (NP_057427.3, residues 2731-2751): KLTSKEECLS[Ser2741Leu]QKLEIDLLKS